The following is an entry in ClinVar:

NM_001367871.1(FBRSL1):c.1965C>T (p.His655=)

Gene: FBRSL1 (fibrosin like 1; plus strand). Cytogenetic location: 12q24.33.
Variant type: single nucleotide variant.
Coding change: c.1965C>T on transcript NM_001367871.1 (MANE Select); coding-DNA position 1965, C replaced by T.
Protein change: p.His655=; no amino-acid change (histidine 655 retained).
Molecular consequence: synonymous variant.
Genome position (GRCh38, 1-based): chr12:132,581,793, C>T. VCF-style: chr12-132581793-C-T. GRCh37 (hg19) VCF-style: chr12-133158379-C-T.
Other names: c.2094C>T, p.His698= (NM_001142641.2); c.2019C>T, p.His673= (NM_001382739.1); c.1344C>T, p.His448= (NM_001382740.1).
Identifiers: ClinVar variation 4083845 (VCV004083845.8).

ClinVar aggregate classification (germline): Likely benign (1 of 4 stars; one submission).

gnomAD v4.1: 48 of 1,549,288 alleles (0.0031%); highest among the groups gnomAD compares: Non-Finnish European, 0.0039%; no homozygotes.

Submission:

CeGaT Center for Human Genetics Tuebingen
Classification: Likely benign. Last evaluated: 2025-08-01. Review status: criteria provided, single submitter. Criteria: CeGaT Center For Human Genetics Tuebingen Variant Classification Criteria Version 2. Collection method: clinical testing. Allele origin: germline. Affected: yes. Observed: 1 variant allele.
Comment: FBRSL1: BP4, BP7